The following is an entry in ClinVar:

ClinVar aggregate classification (germline): Uncertain significance. Review status: criteria provided, multiple submitters, no conflicts (2 of 4 stars). 3 submissions from 3 submitters: Uncertain significance (3). Last evaluated 2025-12-15.

Conditions:
Charcot-Marie-Tooth disease type 2. Also called: Charcot-Marie-Tooth type 2. Identifiers: Orphanet 64746, MedGen C0270914, MONDO:0018993.

Allele frequency attached by ClinVar (database versions not stated): gnomAD 0.00001; gnomAD exomes 0.00001; ExAC 0.00002; TOPMed 0.00003.

Submissions (3):

Labcorp Genetics (formerly Invitae), Labcorp
Classification: Uncertain significance for Charcot-Marie-Tooth disease type 2. Last evaluated: 2025-12-15. Review status: criteria provided, single submitter. Criteria: Invitae Variant Classification Sherloc (09022015). Collection method: clinical testing. Allele origin: germline.
Comment: This sequence change replaces alanine, which is neutral and non-polar, with threonine, which is neutral and polar, at codon 660 of the MFN2 protein (p.Ala660Thr). This variant is present in population databases (rs762292163, gnomAD 0.002%). This variant has not been reported in the literature in individuals affected with MFN2-related conditions. ClinVar contains an entry for this variant (Variation ID: 1313525). Invitae Evidence Modeling of protein sequence and biophysical properties (such as structural, functional, and spatial information, amino acid conservation, physicochemical variation, residue mobility, and thermodynamic stability) has been performed for this missense variant. However, the output from this modeling did not meet the statistical confidence thresholds required to predict the impact of this variant on MFN2 protein function. In summary, the available evidence is currently insufficient to determine the role of this variant in disease. Therefore, it has been classified as a Variant of Uncertain Significance.

GeneDx
Classification: Uncertain significance. Last evaluated: 2023-12-08. Review status: criteria provided, single submitter. Criteria: GeneDx Variant Classification Process June 2021. Collection method: clinical testing. Allele origin: germline. Affected: yes.
Comment: Has not been previously published as pathogenic or benign to our knowledge; Not observed at significant frequency in large population cohorts (gnomAD); In silico analysis supports that this missense variant does not alter protein structure/function

Blueprint Genetics
Classification: Uncertain significance. Last evaluated: 2022-06-24. Review status: criteria provided, single submitter. Criteria: ACMG Guidelines, 2015. Collection method: clinical testing. Allele origin: germline.

NM_014874.4(MFN2):c.1978G>A (p.Ala660Thr)

Gene: MFN2 (mitofusin 2; plus strand). Cytogenetic location: 1p36.22.
Variant type: single nucleotide variant.
Coding change: c.1978G>A on transcript NM_014874.4 (MANE Select); coding-DNA position 1978, G replaced by A.
Protein change: p.Ala660Thr; replaces alanine 660 with threonine.
Molecular consequence: missense variant.
Genome position (GRCh38, 1-based): chr1:12,007,158, G>A. VCF-style: chr1-12007158-G-A. GRCh37 (hg19) VCF-style: chr1-12067215-G-A.
Other names: c.1978G>A, p.Ala660Thr (NM_001127660.2); short protein forms A660T.
Identifiers: ClinVar variation 1313525 (VCV001313525.11), dbSNP rs762292163, ClinGen allele CA599290.